The following is an entry in ClinVar:

ClinVar aggregate classification (germline): Likely benign (0 of 4 stars; one submission).

Conditions:
XPO5-related disorder. Also called: XPO5-related condition.

Allele frequency attached by ClinVar (database versions not stated): gnomAD exomes below 0.00001; TOPMed 0.00006; gnomAD 0.00003.
gnomAD v4.1: 11 of 1,613,856 alleles (0.00068%); highest among the groups gnomAD compares: Admixed American, 0.0033%; no homozygotes.

Submission:

PreventionGenetics, part of Exact Sciences
Classification: Likely benign for XPO5-related condition. Last evaluated: 2024-01-12. Review status: no assertion criteria provided. Collection method: clinical testing. Allele origin: germline.
Comment: This variant is classified as likely benign based on ACMG/AMP sequence variant interpretation guidelines (Richards et al. 2015 PMID: 25741868, with internal and published modifications).

NM_020750.3(XPO5):c.3531A>G (p.Ser1177=)

Genes: POLR1C (RNA polymerase I and III subunit C; plus strand), XPO5 (exportin 5; minus strand). Cytogenetic location: 6p21.1.
Variant type: single nucleotide variant.
Coding change: c.3531A>G on transcript NM_020750.3 (MANE Select); coding-DNA position 3531, A replaced by G.
Protein change: p.Ser1177=; no amino-acid change (serine 1177 retained).
Molecular consequence: synonymous variant. On other transcripts: non-coding transcript variant (1), intron variant (2).
Genome position (GRCh38, 1-based): chr6:43,523,952, T>C on the plus strand (A>G on the coding strand, the complement: XPO5 is on the minus strand). VCF-style: chr6-43523952-T-C. GRCh37 (hg19) VCF-style: chr6-43491690-T-C.
Other names: c.922+2904T>C (NM_001363658.2, NM_001318876.2).
Identifiers: ClinVar variation 3036352 (VCV003036352.2), dbSNP rs1455366535, ClinGen allele CA450292441.